The following is an entry in ClinVar:

ClinVar aggregate classification (germline): Uncertain significance (1 of 4 stars; one submission).

Conditions:
Familial hemophagocytic lymphohistiocytosis 5. Also called: STXBP2-Related Familial Hemophagocytic Lymphohistiocytosis (STXBP2-fHLH). Identifiers: Orphanet 540, MedGen C2751293, MONDO:0013135, OMIM 613101.

Allele frequency attached by ClinVar (database versions not stated): gnomAD 0.00001; TOPMed below 0.00001.
gnomAD v4.1: 7 of 1,613,414 alleles (0.00043%); highest among the groups gnomAD compares: South Asian, 0.0011%; no homozygotes.

Submission:

Labcorp Genetics (formerly Invitae), Labcorp
Classification: Uncertain significance for Familial hemophagocytic lymphohistiocytosis 5. Last evaluated: 2025-08-15. Review status: criteria provided, single submitter. Criteria: Invitae Variant Classification Sherloc (09022015). Collection method: clinical testing. Allele origin: germline.
Comment: This sequence change replaces arginine, which is basic and polar, with tryptophan, which is neutral and slightly polar, at codon 414 of the STXBP2 protein (p.Arg414Trp). This variant is present in population databases (rs113305305, gnomAD 0.003%). This variant has not been reported in the literature in individuals affected with STXBP2-related conditions. ClinVar contains an entry for this variant (Variation ID: 1002559). Invitae Evidence Modeling of protein sequence and biophysical properties (such as structural, functional, and spatial information, amino acid conservation, physicochemical variation, residue mobility, and thermodynamic stability) indicates that this missense variant is not expected to disrupt STXBP2 protein function with a negative predictive value of 95%. In summary, the available evidence is currently insufficient to determine the role of this variant in disease. Therefore, it has been classified as a Variant of Uncertain Significance.

NM_006949.4(STXBP2):c.1240C>T (p.Arg414Trp)

Gene: STXBP2 (syntaxin binding protein 2; plus strand). Cytogenetic location: 19p13.2.
Variant type: single nucleotide variant.
Coding change: c.1240C>T on transcript NM_006949.4 (MANE Select); coding-DNA position 1240, C replaced by T.
Protein change: p.Arg414Trp; replaces arginine 414 with tryptophan.
Molecular consequence: missense variant. On other transcripts: non-coding transcript variant (1).
Genome position (GRCh38, 1-based): chr19:7,644,746, C>T. VCF-style: chr19-7644746-C-T. GRCh37 (hg19) VCF-style: chr19-7709632-C-T.
Other names: c.1231C>T, p.Arg411Trp (NM_001127396.3); c.1273C>T, p.Arg425Trp (NM_001272034.2); short protein forms R411W, R414W, R425W.
Identifiers: ClinVar variation 1002559 (VCV001002559.7), dbSNP rs113305305, ClinGen allele CA9144036.